The following is an entry in ClinVar:

ClinVar aggregate classification (germline): Conflicting classifications of pathogenicity. Review status: criteria provided, conflicting classifications (1 of 4 stars). 2 submissions from 2 submitters: Likely pathogenic (1); Uncertain significance (1). Last evaluated 2022-09-28.

Allele frequency attached by ClinVar (database versions not stated): ExAC 0.00001; gnomAD exomes 0.00003 and 0.00005; gnomAD 0.00004; TOPMed 0.00005; ESP Exome Variant Server 0.00008.
gnomAD v4.1: 85 of 1,612,970 alleles (0.0053%); highest among the groups gnomAD compares: Non-Finnish European, 0.0069%; no homozygotes.

Submissions (2):

GeneDx
Classification: Likely pathogenic. Last evaluated: 2022-09-28. Review status: criteria provided, single submitter. Criteria: GeneDx Variant Classification Process June 2021. Collection method: clinical testing. Allele origin: germline. Affected: yes.
Comment: Internal targeted RNA studies in blood from a different patient referred for testing at GeneDx demonstrate this variant alters RNA splicing by damaging the natural splice donor site of intron 29, resulting in the retention of the first 18 nucleotides of intron 29 between exons 29 and 30; although the effect of this variant on protein function is unknown, it is predicted to result in the in-frame insertion of 6 amino acids; Not observed at a significant frequency in large population cohorts (gnomAD); Has not been previously published as pathogenic or benign to our knowledge

Labcorp Genetics (formerly Invitae), Labcorp
Classification: Uncertain significance. Last evaluated: 2021-09-10. Review status: criteria provided, single submitter. Criteria: Invitae Variant Classification Sherloc (09022015). Collection method: clinical testing. Allele origin: germline.
Comment: This sequence change falls in intron 29 of the TBCD gene. It does not directly change the encoded amino acid sequence of the TBCD protein. It affects a nucleotide within the consensus splice site of the intron. This variant is present in population databases (rs367596929, ExAC 0.002%). This variant has not been reported in the literature in individuals affected with TBCD-related conditions. Variants that disrupt the consensus splice site are a relatively common cause of aberrant splicing (PMID: 17576681, 9536098). Algorithms developed to predict the effect of sequence changes on RNA splicing suggest that this variant may disrupt the consensus splice site. In summary, the available evidence is currently insufficient to determine the role of this variant in disease. Therefore, it has been classified as a Variant of Uncertain Significance.

Literature cited by the submitters: PubMed 17576681 (cited by Labcorp Genetics (formerly Invitae), Labcorp); PubMed 9536098 (cited by Labcorp Genetics (formerly Invitae), Labcorp).

NM_005993.5(TBCD):c.2609+5G>A

Gene: TBCD (tubulin folding cofactor D). Cytogenetic location: 17q25.3.
Variant type: single nucleotide variant.
Coding change: c.2609+5G>A on transcript NM_005993.5 (MANE Select); 5 bases into the intron after coding-DNA position 2609, G replaced by A.
Molecular consequence: intron variant.
Genome position (GRCh38, 1-based): chr17:82,927,328, G>A. VCF-style: chr17-82927328-G-A. GRCh37 (hg19) VCF-style: chr17-80885204-G-A.
Identifiers: ClinVar variation 1345867 (VCV001345867.4), dbSNP rs367596929, ClinGen allele CA8863125.